The following is an entry in ClinVar:

ClinVar aggregate classification (germline): Uncertain significance (1 of 4 stars; one submission).

Conditions:
Rhabdoid tumor predisposition syndrome 2 (RTPS2). Identifiers: Orphanet 231108, Orphanet 69077, MedGen C2750074, MONDO:0013224, OMIM 613325.

Submission:

Labcorp Genetics (formerly Invitae), Labcorp
Classification: Uncertain significance for Rhabdoid tumor predisposition syndrome 2. Last evaluated: 2019-02-03. Review status: criteria provided, single submitter. Criteria: Invitae Variant Classification Sherloc (09022015). Collection method: clinical testing. Allele origin: germline.
Comment: This deletion is expected to delete the C-terminal region of the SMARCA4 protein containing the bromodomain (residues 1458-1564)(PMID:¬†24658002). While studies suggest that the bromodomain is involved in gene repression and double-strand break repair (PMID:¬†17023429,¬†20224553), the functional significance of this particular variant has not been determined. In summary, the available evidence is currently insufficient to determine the role of this variant in disease. Therefore, it has been classified as a Variant of Uncertain Significance. This variant has not been reported in the literature in individuals with SMARCA4-related conditions. This variant is a gross deletion of the genomic region encompassing exons 31-36 of the SMARCA4 gene. The 5' boundary is likely confined to intron 30. The 3' end of this event is unknown as it extends through the termination codon beyond the assayed region for this gene and may encompass additional genes. While this deletion is not anticipated to result in nonsense mediated decay, it is expected to create a truncated protein product or disrupt mRNA translation.

NC_000019.10:g.(?_11041297)_(11061826_?)del

Gene: SMARCA4 (SWI/SNF related BAF chromatin remodeling complex subunit ATPase 4; plus strand). Cytogenetic location: 19p13.2.
Variant type: Deletion.
Identifiers: ClinVar variation 831699 (VCV000831699.5).